The following is an entry in ClinVar:

ClinVar aggregate classification (germline): Uncertain significance (1 of 4 stars; one submission).

Submission:

Labcorp Genetics (formerly Invitae), Labcorp
Classification: Uncertain significance. Last evaluated: 2020-07-25. Review status: criteria provided, single submitter. Criteria: Invitae Variant Classification Sherloc (09022015). Collection method: clinical testing. Allele origin: germline.
Comment: This variant, c.1866_1868del, results in the deletion of 1 amino acid(s) of the PDE6B protein (p.Ser623del), but otherwise preserves the integrity of the reading frame. In summary, the available evidence is currently insufficient to determine the role of this variant in disease. Therefore, it has been classified as a Variant of Uncertain Significance. Experimental studies and prediction algorithms are not available or were not evaluated, and the functional significance of this variant is currently unknown. This variant has not been reported in the literature in individuals with PDE6B-related conditions. This variant is not present in population databases (ExAC no frequency).

NM_000283.4(PDE6B):c.1863CTC[1] (p.Ser623del)

Gene: PDE6B (phosphodiesterase 6B; plus strand). Cytogenetic location: 4p16.3.
Variant type: Microsatellite.
Coding change: c.1863CTC[1] on transcript NM_000283.4 (MANE Select); one copy of the 3-base unit CTC starting at c.1863; the reference has two copies in a row; one copy, 3 bases deleted.
Protein change: p.Ser623del; deletes serine 623.
Molecular consequence: inframe deletion.
Genome position (GRCh38, 1-based): chr4:663,133-663,135, CTC deleted; deleting any 3 consecutive bases within chr4:663,130-663,135 gives the same sequence; the position shown is the placement nearest the transcript's 3' end. VCF-style (leftmost placement, unchanged base first): chr4-663129-GCTC-G. GRCh37 (hg19) VCF-style: chr4-656918-GCTC-G.
Other names: c.1863CTC[1], p.Ser623del (NM_001145291.2); c.1026CTC[1], p.Ser344del (NM_001145292.2, NM_001350154.3, NM_001379246.1 and 1 more transcripts); c.708CTC[1], p.Ser238del (NM_001350155.3); short protein forms S238del, S344del, S623del.
Identifiers: ClinVar variation 1005099 (VCV001005099.8), dbSNP rs1737317313, ClinGen allele CA1432850517.
Genomic context (GRCh38, chr4:663,129, plus strand): 5'-ACGGGCCTCACCTCCACCACCTGTGTAACAGGTCCCAGAACCCCTTGGCTAAGCTCCACG[GCTC>G]CTCGATTTTGGAGCGGCACCACCTGGAGTTTGGGAAGTTCCTGCTCTCGGAGGAGGTTGG-3'